The following is an entry in ClinVar:

ClinVar aggregate classification (germline): Pathogenic (1 of 4 stars; one submission).

Conditions:
Werner syndrome (WRN). Identifiers: Orphanet 902, MedGen C0043119, MONDO:0010196, OMIM 277700.

Submission:

Labcorp Genetics (formerly Invitae), Labcorp
Classification: Pathogenic for Werner syndrome. Last evaluated: 2022-03-29. Review status: criteria provided, single submitter. Criteria: Invitae Variant Classification Sherloc (09022015). Collection method: clinical testing. Allele origin: germline.
Comment: This sequence change creates a premature translational stop signal (p.Gln1153Hisfs*13) in the WRN gene. It is expected to result in an absent or disrupted protein product. Loss-of-function variants in WRN are known to be pathogenic (PMID: 16673358). This variant is not present in population databases (gnomAD no frequency). This variant has not been reported in the literature in individuals affected with WRN-related conditions. For these reasons, this variant has been classified as Pathogenic.

Literature cited by the submitters: PubMed 16673358.

NM_000553.6(WRN):c.3455_3458dup (p.Gln1153fs)

Gene: WRN (WRN RecQ like helicase; plus strand). Cytogenetic location: 8p12.
Variant type: Duplication.
Coding change: c.3455_3458dup on transcript NM_000553.6 (MANE Select); coding-DNA positions 3455 to 3458, 4 bases duplicated (CTCA; older notation c.3455_3458dupCTCA).
Protein change: p.Gln1153fs; shifts the reading frame from glutamine 1153.
Molecular consequence: frameshift variant.
Genome position (GRCh38, 1-based): chr8:31,147,124-31,147,127, CTCA duplicated; duplicating any 4 consecutive bases within chr8:31,147,123-31,147,127 gives the same sequence; the c. name uses the placement nearest the transcript's 3' end. VCF-style (leftmost placement, unchanged base first): chr8-31147122-G-GACTC. GRCh37 (hg19) VCF-style: chr8-31004638-G-GACTC.
Other names: short protein forms Q1153fs.
Identifiers: ClinVar variation 2119181 (VCV002119181.4), dbSNP rs2536042069, ClinGen allele CA2580078189.